The following is an entry in ClinVar:

ClinVar aggregate classification (germline): Likely benign (0 of 4 stars; one submission).

Conditions:
FAN1-related disorder. Also called: FAN1-related condition.

Allele frequency attached by ClinVar (database versions not stated): ExAC 0.00002; gnomAD 0.00002; gnomAD exomes 0.00003.
gnomAD v4.1: 43 of 1,613,986 alleles (0.0027%); highest among the groups gnomAD compares: Non-Finnish European, 0.0036%; no homozygotes.

Submission:

PreventionGenetics, part of Exact Sciences
Classification: Likely benign for FAN1-related condition. Last evaluated: 2022-06-21. Review status: no assertion criteria provided. Collection method: clinical testing. Allele origin: germline.
Comment: This variant is classified as likely benign based on ACMG/AMP sequence variant interpretation guidelines (Richards et al. 2015 PMID: 25741868, with internal and published modifications).

NM_014967.5(FAN1):c.2274C>T (p.Ser758=)

Genes: FAN1 (FANCD2 and FANCI associated nuclease 1; plus strand), MTMR10 (myotubularin related protein 10; minus strand). Cytogenetic location: 15q13.3.
Variant type: single nucleotide variant.
Coding change: c.2274C>T on transcript NM_014967.5 (MANE Select); coding-DNA position 2274, C replaced by T.
Protein change: p.Ser758=; no amino-acid change (serine 758 retained).
Molecular consequence: synonymous variant.
Genome position (GRCh38, 1-based): chr15:30,925,228, C>T. VCF-style: chr15-30925228-C-T. GRCh37 (hg19) VCF-style: chr15-31217431-C-T.
Identifiers: ClinVar variation 3046472 (VCV003046472.2), dbSNP rs757102819, ClinGen allele CA7450559.